The following is an entry in ClinVar:

ClinVar aggregate classification (germline): Uncertain significance (1 of 4 stars; one submission).

Conditions:
Autosomal dominant limb-girdle muscular dystrophy type 1F (LGMDD2). Also called: Limb-girdle muscular dystrophy, type 1F; MUSCULAR DYSTROPHY, LIMB-GIRDLE, AUTOSOMAL DOMINANT 2. Identifiers: Orphanet 55595, MedGen C1842062, MONDO:0012034, OMIM 608423.

gnomAD v4.1: 2 of 1,613,878 alleles (0.00012%); highest among the groups gnomAD compares: Non-Finnish European, 0.00017%; no homozygotes.

Submission:

Labcorp Genetics (formerly Invitae), Labcorp
Classification: Uncertain significance for Autosomal dominant limb-girdle muscular dystrophy type 1F. Last evaluated: 2024-09-14. Review status: criteria provided, single submitter. Criteria: Invitae Variant Classification Sherloc (09022015). Collection method: clinical testing. Allele origin: germline.
Comment: This sequence change replaces glutamic acid, which is acidic and polar, with glutamine, which is neutral and polar, at codon 640 of the TNPO3 protein (p.Glu640Gln). This variant is not present in population databases (gnomAD no frequency). This variant has not been reported in the literature in individuals affected with TNPO3-related conditions. An algorithm developed to predict the effect of missense changes on protein structure and function (PolyPhen-2) suggests that this variant is likely to be tolerated. In summary, the available evidence is currently insufficient to determine the role of this variant in disease. Therefore, it has been classified as a Variant of Uncertain Significance.

NM_012470.4(TNPO3):c.1918G>C (p.Glu640Gln)

Gene: TNPO3 (transportin 3; minus strand). Cytogenetic location: 7q32.1.
Variant type: single nucleotide variant.
Coding change: c.1918G>C on transcript NM_012470.4 (MANE Select); coding-DNA position 1918, G replaced by C.
Protein change: p.Glu640Gln; replaces glutamic acid 640 with glutamine.
Molecular consequence: missense variant. On other transcripts: non-coding transcript variant (14).
Genome position (GRCh38, 1-based): chr7:128,979,973, C>G on the plus strand (G>C on the coding strand, the complement: TNPO3 is on the minus strand). VCF-style: chr7-128979973-C-G. GRCh37 (hg19) VCF-style: chr7-128620027-C-G.
Other names: c.1726G>C, p.Glu576Gln (NM_001191028.3, NM_001382223.1); c.2020G>C, p.Glu674Gln (NM_001382216.1); c.1999G>C, p.Glu667Gln (NM_001382217.1); c.1918G>C, p.Glu640Gln (NM_001382218.1, NM_001382220.1); c.1810G>C, p.Glu604Gln (NM_001382219.1); c.1774G>C, p.Glu592Gln (NM_001382221.1); c.1771G>C, p.Glu591Gln (NM_001382222.1); short protein forms E576Q, E592Q, E591Q, E604Q, E667Q, E640Q, E674Q.
Identifiers: ClinVar variation 3717047 (VCV003717047.2).
Genomic context (GRCh38, chr7:128,979,973, plus strand): 5'-AGCCCTGTAAGGAAAAAAGAAGCAAGCCTTGATTCCACAAGCATCCATTAGCACTTACTT[C>G]CTGTATGACTTTCTGACACGGATGAGTCTGTCCATTTTCCACAATGGGATTGGTATGCCT-3'
Protein context (NP_036602.1, residues 630-650): QTHPCQKVIQ[Glu640Gln]IWPVLSETLN